The following is an entry in ClinVar:

NM_001134363.3(RBM20):c.2318A>G (p.Lys773Arg)

Gene: RBM20 (RNA binding motif protein 20; plus strand). Cytogenetic location: 10q25.2.
Variant type: single nucleotide variant.
Coding change: c.2318A>G on transcript NM_001134363.3 (MANE Select); coding-DNA position 2318, A replaced by G.
Protein change: p.Lys773Arg; replaces lysine 773 with arginine.
Molecular consequence: missense variant.
Genome position (GRCh38, 1-based): chr10:110,812,715, A>G. VCF-style: chr10-110812715-A-G. GRCh37 (hg19) VCF-style: chr10-112572473-A-G.
Other names: p.K773R:AAG>AGG; short protein forms K773R.
Identifiers: ClinVar variation 199060 (VCV000199060.63), dbSNP rs181769913, ClinGen allele CA203731.
Genomic context (GRCh38, chr10:110,812,715, plus strand): 5'-AAAGCCGTGAAGACGGCTACTACCGGAAAGAGCCCAAAGCCAAGTCGGACAAGTATCTGA[A>G]GCAGCAGCAGGATGCCCCCGGGAGGTCCAGGAGGAAAGACGAGGCCAGGCTGCGGGAAAG-3'
Protein context (NP_001127835.2, residues 763-783): EPKAKSDKYL[Lys773Arg]QQQDAPGRSR

ClinVar aggregate classification (germline): Conflicting classifications of pathogenicity. Review status: criteria provided, conflicting classifications (1 of 4 stars). 15 submissions from 15 submitters: Uncertain significance (1); Benign (9); Likely benign (2). 3 of the submissions do not count toward it. Last evaluated 2026-09-01.

Conditions:
Cardiovascular phenotype. Identifiers: MedGen CN230736.
Cardiomyopathy (CMYO). Also called: Cardiomyopathies. Identifiers: Orphanet 167848, MedGen C0878544, MONDO:0004994, HP:0001638. Inheritance: Various modes of inheritance.
Dilated cardiomyopathy 1DD (CMD1DD). Identifiers: Orphanet 154, MedGen C2750995, MONDO:0013168, OMIM 613172.

Allele frequency attached by ClinVar (database versions not stated): gnomAD exomes 0.00033 and 0.00075; ExAC 0.00102; gnomAD 0.00315 and 0.00324; TOPMed 0.00388; 1000 Genomes Project 0.00579; 1000 Genomes Project 30x 0.00640.
gnomAD v4.1: 968 of 1,551,762 alleles (0.062%); highest among the groups gnomAD compares: African/African-American, 0.98%; 5 homozygotes.

Submissions (15):

CeGaT Center for Human Genetics Tuebingen
Classification: Benign. Last evaluated: 2026-09-01. Review status: criteria provided, single submitter. Criteria: CeGaT Center For Human Genetics Tuebingen Variant Classification Criteria Version 2. Collection method: clinical testing. Allele origin: germline. Affected: yes. Observed: 7 variant alleles.
Comment: RBM20: BP4, BS1, BS2

Labcorp Genetics (formerly Invitae), Labcorp
Classification: Benign for Dilated cardiomyopathy 1DD. Last evaluated: 2026-02-03. Review status: criteria provided, single submitter. Criteria: Invitae Variant Classification Sherloc (09022015). Collection method: clinical testing. Allele origin: germline.

Mayo Clinic Laboratories, Mayo Clinic
Classification: Likely benign. Last evaluated: 2025-05-13. Review status: criteria provided, single submitter. Criteria: ACMG Guidelines, 2015. Collection method: clinical testing. Allele origin: germline. Observed: 5 variant alleles.
Comment: BS1, BP4

Molecular Diagnostic Laboratory for Inherited Cardiovascular Disease, Montreal Heart Institute
Classification: Benign. Last evaluated: 2025-04-09. Review status: criteria provided, single submitter. Criteria: ACMG Guidelines, 2015. Collection method: clinical testing. Allele origin: germline. Affected: no.

Blueprint Genetics
Classification: Likely benign. Last evaluated: 2024-11-14. Review status: criteria provided, single submitter. Criteria: ACMG Guidelines, 2015. Collection method: clinical testing. Allele origin: germline.

Women's Health and Genetics/Laboratory Corporation of America, LabCorp
Classification: Benign. Last evaluated: 2019-12-16. Review status: criteria provided, single submitter. Criteria: LabCorp Variant Classification Summary - May 2015. Collection method: clinical testing. Allele origin: germline.
Comment: Variant summary: RBM20 c.2318A>G (p.Lys773Arg) results in a conservative amino acid change in the encoded protein sequence. Five of five in-silico tools predict a benign effect of the variant on protein function. The variant allele was found at a frequency of 0.00075 in 156524 control chromosomes, predominantly at a frequency of 0.01 within the African or African-American subpopulation in the gnomAD database. The observed variant frequency within African or African-American control individuals in the gnomAD database is approximately 400 fold of the estimated maximal expected allele frequency for a pathogenic variant in RBM20 causing Cardiomyopathy phenotype (2.5e-05), strongly suggesting that the variant is a benign polymorphism found primarily in populations of African or African-American origin. Four clinical diagnostic laboratories have submitted clinical-significance assessments for this variant to ClinVar after 2014 without evidence for independent evaluation (3x benign, 1x likely benign). Based on the evidence outlined above, the variant was classified as benign.

Ambry Genetics
Classification: Benign for Cardiovascular phenotype. Last evaluated: 2019-01-08. Review status: criteria provided, single submitter. Criteria: Ambry Variant Classification Scheme 2023. Collection method: clinical testing. Allele origin: germline.

CHEO Genetics Diagnostic Laboratory, Children's Hospital of Eastern Ontario
Classification: Benign for Cardiomyopathy. Last evaluated: 2018-02-14. Review status: criteria provided, single submitter. Criteria: ACMG Guidelines, 2015. Collection method: clinical testing. Allele origin: germline.

Illumina Laboratory Services, Illumina
Classification: Uncertain significance for Dilated cardiomyopathy 1DD. Last evaluated: 2018-01-15. Review status: criteria provided, single submitter. Criteria: ICSL Variant Classification Criteria 13 December 2019. Collection method: clinical testing. Allele origin: germline.

Laboratory for Molecular Medicine, Mass General Brigham Personalized Medicine
Classification: Benign. Last evaluated: 2015-05-20. Review status: criteria provided, single submitter. Criteria: LMM Criteria. Collection method: clinical testing. Allele origin: germline. Observed: 1 variant allele.
Comment: p.Lys773Arg in exon 9 of RBM20: This variant is not expected to have clinical si gnificance because it has been identified in 0.9% (20/2126) of African chromosom es by the Exome Aggregation Consortium (ExAC) an d in 8.4% (19/226) of Gambian chromosomes by the 1000 Genomes Project (dbSNP rs1 81769913).

Eurofins Ntd Llc (ga)
Classification: Benign. Last evaluated: 2015-05-19. Review status: criteria provided, single submitter. Criteria: EGL Classification Definitions 2015. Collection method: clinical testing. Allele origin: germline. Observed: 1 variant allele, 1 heterozygote.

GeneDx
Classification: Benign. Last evaluated: 2014-06-26. Review status: criteria provided, single submitter. Criteria: GeneDx Variant Classification (06012015). Collection method: clinical testing. Allele origin: germline. Affected: yes.
Comment: This variant is considered likely benign or benign based on one or more of the following criteria: it is a conservative change, it occurs at a poorly conserved position in the protein, it is predicted to be benign by multiple in silico algorithms, and/or has population frequency not consistent with disease.

Clinical Genetics, Academic Medical Center
Classification: Benign. Review status: no assertion criteria provided. Collection method: clinical testing. Allele origin: germline. Affected: yes. Study: VKGL Data-share Consensus. Not counted in ClinVar's aggregate classification.

Diagnostic Laboratory, Department of Genetics, University Medical Center Groningen
Classification: Likely benign. Review status: no assertion criteria provided. Collection method: clinical testing. Allele origin: germline. Affected: yes. Study: VKGL Data-share Consensus. Not counted in ClinVar's aggregate classification.

Joint Genome Diagnostic Labs from Nijmegen and Maastricht, Radboudumc and MUMC+
Classification: Likely benign. Review status: no assertion criteria provided. Collection method: clinical testing. Allele origin: germline. Affected: yes. Study: VKGL Data-share Consensus. Not counted in ClinVar's aggregate classification.

Literature cited by the submitters: PubMed 25351510 (cited by Ambry Genetics).